The following is an entry in ClinVar:

NM_024741.3(ZNF408):c.1928C>T (p.Ala643Val)

Gene: ZNF408 (zinc finger protein 408; plus strand). Cytogenetic location: 11p11.2.
Variant type: single nucleotide variant.
Coding change: c.1928C>T on transcript NM_024741.3 (MANE Select); coding-DNA position 1928, C replaced by T.
Protein change: p.Ala643Val; replaces alanine 643 with valine.
Molecular consequence: missense variant.
Genome position (GRCh38, 1-based): chr11:46,705,628, C>T. VCF-style: chr11-46705628-C-T. GRCh37 (hg19) VCF-style: chr11-46727178-C-T.
Other names: c.1904C>T, p.Ala635Val (NM_001184751.2); short protein forms A643V, A635V.
Identifiers: ClinVar variation 958331 (VCV000958331.10), dbSNP rs757827254, ClinGen allele CA380257819.

ClinVar aggregate classification (germline): Uncertain significance. Review status: criteria provided, multiple submitters, no conflicts (2 of 4 stars). 2 submissions from 2 submitters: Uncertain significance (2). Last evaluated 2022-02-16.

Conditions:
Exudative vitreoretinopathy 6 (EVR6). Identifiers: Orphanet 891, MedGen C4225316, MONDO:0014652, OMIM 616468.
Retinitis pigmentosa 72 (RP72). Identifiers: Orphanet 791, MedGen C4225315, MONDO:0014653, OMIM 616469.

Allele frequency attached by ClinVar (database versions not stated): TOPMed 0.00003; gnomAD 0.00005.
gnomAD v4.1: 26 of 1,612,882 alleles (0.0016%); highest among the groups gnomAD compares: Admixed American, 0.018%; no homozygotes.

Submissions (2):

Fulgent Genetics
Classification: Uncertain significance for Exudative vitreoretinopathy 6; Retinitis pigmentosa 72. Last evaluated: 2022-02-16. Review status: criteria provided, single submitter. Criteria: ACMG Guidelines, 2015. Collection method: clinical testing. Allele origin: unknown.

Labcorp Genetics (formerly Invitae), Labcorp
Classification: Uncertain significance. Last evaluated: 2020-01-24. Review status: criteria provided, single submitter. Criteria: Invitae Variant Classification Sherloc (09022015). Collection method: clinical testing. Allele origin: germline.
Comment: This variant has not been reported in the literature in individuals with ZNF408-related conditions. This variant is not present in population databases (ExAC no frequency). This sequence change replaces alanine with valine at codon 643 of the ZNF408 protein (p.Ala643Val). The alanine residue is highly conserved and there is a small physicochemical difference between alanine and valine. Algorithms developed to predict the effect of missense changes on protein structure and function are either unavailable or do not agree on the potential impact of this missense change (SIFT: "Deleterious"; PolyPhen-2: "Benign"; Align-GVGD: "Class C0"). In summary, the available evidence is currently insufficient to determine the role of this variant in disease. Therefore, it has been classified as a Variant of Uncertain Significance.